The following is an entry in ClinVar:

NM_133379.5(TTN):c.12724A>G (p.Ser4242Gly)

Gene: TTN (titin; minus strand). Cytogenetic location: 2q31.2.
Variant type: single nucleotide variant.
Coding change: c.12724A>G on transcript NM_133379.5; coding-DNA position 12724, A replaced by G.
Protein change: p.Ser4242Gly; replaces serine 4242 with glycine.
Molecular consequence: missense variant. On other transcripts: intron variant (6).
Genome position (GRCh38, 1-based): chr2:178,749,676, T>C on the plus strand (A>G on the coding strand, the complement: TTN is on the minus strand). VCF-style: chr2-178749676-T-C. GRCh37 (hg19) VCF-style: chr2-179614403-T-C.
Other names: c.10222+3448A>G (NM_003319.4); c.10798+3448A>G (NM_133437.4); c.10597+3448A>G (NM_133432.3); c.10360+3448A>G (NM_133378.4, NM_001256850.1); c.11311+3448A>G (NM_001267550.2); c.12724A>G (NM_133379.4); short protein forms S4242G.
Identifiers: ClinVar variation 166268 (VCV000166268.12), dbSNP rs541264551, ClinGen allele CA179121.

ClinVar aggregate classification (germline): Conflicting classifications of pathogenicity. Review status: criteria provided, conflicting classifications (1 of 4 stars). 6 submissions from 6 submitters: Uncertain significance (3); Benign (1); Likely benign (2). Last evaluated 2026-08-01.

Conditions:
TTN-related disorder. Also called: TTN-related disorders; TTN-related condition; TTN-related disease.

Allele frequency attached by ClinVar (database versions not stated): gnomAD exomes 0.00009 and 0.00019; gnomAD 0.00014 and 0.00015; ExAC 0.00017; TOPMed 0.00017.
gnomAD v4.1: 72 of 1,612,876 alleles (0.0045%); highest among the groups gnomAD compares: Admixed American, 0.12%; no homozygotes.

Submissions (6):

CeGaT Center for Human Genetics Tuebingen
Classification: Likely benign. Last evaluated: 2026-08-01. Review status: criteria provided, single submitter. Criteria: CeGaT Center For Human Genetics Tuebingen Variant Classification Criteria Version 2. Collection method: clinical testing. Allele origin: germline. Affected: yes. Observed: 1 variant allele.
Comment: TTN: BP4

Molecular Diagnostic Laboratory for Inherited Cardiovascular Disease, Montreal Heart Institute
Classification: Likely benign. Last evaluated: 2026-03-27. Review status: criteria provided, single submitter. Criteria: ACMG Guidelines, 2015. Collection method: clinical testing. Allele origin: germline. Affected: no.

PreventionGenetics, part of Exact Sciences
Classification: Uncertain significance for TTN-related condition. Last evaluated: 2023-05-25. Review status: criteria provided, single submitter. Criteria: ACMG Guidelines, 2015. Collection method: clinical testing. Allele origin: germline.
Comment: The TTN c.12724A>G variant is predicted to result in the amino acid substitution p.Ser4242Gly. To our knowledge, this variant has not been reported in the literature. This variant is reported in 0.14% of alleles in individuals of Latino descent in gnomAD. Although we suspect that this variant may be benign, at this time, the clinical significance of this variant is uncertain due to the absence of conclusive functional and genetic evidence.

ARUP Laboratories, Molecular Genetics and Genomics, ARUP Laboratories
Classification: Uncertain significance. Last evaluated: 2022-05-06. Review status: criteria provided, single submitter. Criteria: ARUP Molecular Germline Variant Investigation Process 2021. Collection method: clinical testing. Allele origin: germline.
Comment: The TTN c.12724A>G; p.Ser4242Gly variant (rs541264551; ClinVar Variation ID: 166268) is rare in the general population (<0.2% allele frequency in the Genome Aggregation Database) and has not been reported in the medical literature in association with dilated cardiomyopathy (DCM) or other TTN-related disease. The clinical relevance of rare missense variants in this gene, which are identified on average once per individual sequenced in affected populations (Herman 2012), is not well understood. Yet, evidence suggests that the vast majority of such missense variants do not contribute to the clinical outcome of DCM (Begay 2015). Thus, the clinical significance of the p.Ser4242Gly variant cannot be determined with certainty. Begay RL et al. Role of Titin Missense Variants in Dilated Cardiomyopathy. J Am Heart Assoc. 2015 Nov 13;4(11). PMID: 26567375. Herman DS et al. Truncations of titin causing dilated cardiomyopathy. N Engl J Med. 2012 Feb 16;366(7):619-28. PMID: 22335739.

Laboratory for Molecular Medicine, Mass General Brigham Personalized Medicine
Classification: Benign. Last evaluated: 2018-09-11. Review status: criteria provided, single submitter. Criteria: LMM Criteria. Collection method: clinical testing. Allele origin: germline. Observed: 1 variant allele.
Comment: proposed classification - variant undergoing re-assessment, contact laboratory

Daryl Scott Lab, Baylor College of Medicine
Classification: Uncertain significance for TTN-related disorder. Review status: criteria provided, single submitter. Criteria: ACMG Guidelines, 2015. Collection method: clinical testing. Allele origin: paternal. Affected: yes. Observed: 1 compound heterozygote.
Comment: BP4